The following is an entry in ClinVar:

ClinVar aggregate classification (germline): Uncertain significance. Review status: criteria provided, multiple submitters, no conflicts (2 of 4 stars). 2 submissions from 2 submitters: Uncertain significance (2). Last evaluated 2023-07-06.

Conditions:
Cranioectodermal dysplasia 2 (CED2). Identifiers: Orphanet 1515, MedGen C3150874, MONDO:0013323, OMIM 613610.
Short-rib thoracic dysplasia 7 with or without polydactyly (SRTD7). Also called: Short rib polydactyly syndrome 5; SHORT-RIB THORACIC DYSPLASIA 7 WITH POLYDACTYLY. Identifiers: Orphanet 498497, Orphanet 93271, MedGen C3279792, MONDO:0013569, OMIM 614091.

Allele frequency attached by ClinVar (database versions not stated): gnomAD exomes below 0.00001; gnomAD 0.00001; TOPMed 0.00001.
gnomAD v4.1: 8 of 1,603,686 alleles (0.0005%); highest among the groups gnomAD compares: Middle Eastern, 0.017%; no homozygotes.

Submissions (2):

Labcorp Genetics (formerly Invitae), Labcorp
Classification: Uncertain significance for Cranioectodermal dysplasia 2; Short-rib thoracic dysplasia 7 with or without polydactyly. Last evaluated: 2023-07-06. Review status: criteria provided, single submitter. Criteria: Invitae Variant Classification Sherloc (09022015). Collection method: clinical testing. Allele origin: germline.
Comment: In summary, the available evidence is currently insufficient to determine the role of this variant in disease. Therefore, it has been classified as a Variant of Uncertain Significance. Variants that disrupt the consensus splice site are a relatively common cause of aberrant splicing (PMID: 17576681, 9536098). Algorithms developed to predict the effect of sequence changes on RNA splicing suggest that this variant may disrupt the consensus splice site. ClinVar contains an entry for this variant (Variation ID: 1522570). This variant has not been reported in the literature in individuals affected with WDR35-related conditions. This variant is present in population databases (no rsID available, gnomAD 0.0009%). This sequence change falls in intron 14 of the WDR35 gene. It does not directly change the encoded amino acid sequence of the WDR35 protein. It affects a nucleotide within the consensus splice site.

Breakthrough Genomics
Classification: Uncertain significance. Review status: criteria provided, single submitter. Criteria: ACMG Guidelines, 2015. Collection method: not provided. Allele origin: germline. Inheritance: Autosomal recessive inheritance. Affected: yes.

Literature cited by the submitters: PubMed 17576681 (cited by Labcorp Genetics (formerly Invitae), Labcorp); PubMed 9536098 (cited by Labcorp Genetics (formerly Invitae), Labcorp).

NM_020779.4(WDR35):c.1470+6T>C

Gene: WDR35 (WD repeat domain 35; minus strand). Cytogenetic location: 2p24.1.
Variant type: single nucleotide variant.
Coding change: c.1470+6T>C on transcript NM_020779.4 (MANE Select); 6 bases into the intron after coding-DNA position 1470, T replaced by C.
Molecular consequence: intron variant.
Genome position (GRCh38, 1-based): chr2:19,951,409, A>G on the plus strand (T>C on the coding strand, the complement: WDR35 is on the minus strand). VCF-style: chr2-19951409-A-G. GRCh37 (hg19) VCF-style: chr2-20151170-A-G.
Other names: c.1503+6T>C (NM_001006657.2).
Identifiers: ClinVar variation 1522570 (VCV001522570.7), dbSNP rs1162916086, ClinGen allele CA530854404.